The following is an entry in ClinVar:

NM_000370.3(TTPA):c.66del (p.Leu23fs)

Gene: TTPA (alpha tocopherol transfer protein; minus strand). Cytogenetic location: 8q12.3.
Variant type: Deletion.
Coding change: c.66del on transcript NM_000370.3 (MANE Select); coding-DNA position 66, one base deleted (G; older notation c.66delG).
Protein change: p.Leu23fs; shifts the reading frame from leucine 23.
Molecular consequence: frameshift variant. On other transcripts: non-coding transcript variant (3).
Genome position (GRCh38, 1-based): chr8:63,085,956, C deleted on the plus strand (G on the coding strand, the reverse complement: TTPA is on the minus strand). VCF-style (leftmost placement, unchanged base first): chr8-63085955-AC-A. GRCh37 (hg19) VCF-style: chr8-63998514-AC-A.
Other names: c.66del, p.Leu23fs (NM_001413416.1, NM_001413417.1, NM_001413418.1 and 2 more transcripts); short protein forms L23fs.
Identifiers: ClinVar variation 4818276 (VCV004818276.1).

ClinVar aggregate classification (germline): Likely pathogenic (1 of 4 stars; one submission).

Conditions:
Familial isolated deficiency of vitamin E (AVED). Also called: ATAXIA, FRIEDREICH-LIKE, WITH SELECTIVE VITAMIN E DEFICIENCY; Ataxia with isolated vitamin E deficiency. Identifiers: Orphanet 96, MedGen C1848533, MONDO:0010188, OMIM 277460.

Submission:

Natera, Inc.
Classification: Likely pathogenic for Ataxia with isolated vitamin E deficiency. Last evaluated: 2024-12-01. Review status: criteria provided, single submitter. Criteria: Natera Variant Classification Schema (03/2026). Collection method: clinical testing. Allele origin: germline.
Comment: The c.66del variant in TTPA is a frameshift variant predicted to shift the reading frame beginning at codon 23 and leads to a stop codon 48 codons downstream. This variant is expected to result in nonsense mediated decay, truncation, or a dysfunctional protein product. This variant is rare in the general population with a frequency below the threshold expected for the associated phenotype(s). Given the available evidence, this variant is classified as Likely Pathogenic.